The following is an entry in ClinVar:

ClinVar aggregate classification (germline): Uncertain significance (1 of 4 stars; one submission).

Conditions:
Nephronophthisis. Also called: Juvenile Nephronophthisis. Identifiers: Orphanet 655, MedGen C0687120, MONDO:0019005, HP:0000090.

Submission:

Labcorp Genetics (formerly Invitae), Labcorp
Classification: Uncertain significance for Nephronophthisis. Last evaluated: 2022-08-01. Review status: criteria provided, single submitter. Criteria: Invitae Variant Classification Sherloc (09022015). Collection method: clinical testing. Allele origin: germline.
Comment: This variant is not present in population databases (gnomAD no frequency). This sequence change replaces methionine, which is neutral and non-polar, with arginine, which is basic and polar, at codon 616 of the NPHP1 protein (p.Met616Arg). This variant has not been reported in the literature in individuals affected with NPHP1-related conditions. Algorithms developed to predict the effect of missense changes on protein structure and function output the following: SIFT: "Tolerated"; PolyPhen-2: "Benign"; Align-GVGD: "Class C0". The arginine amino acid residue is found in multiple mammalian species, which suggests that this missense change does not adversely affect protein function. In summary, the available evidence is currently insufficient to determine the role of this variant in disease. Therefore, it has been classified as a Variant of Uncertain Significance.

NM_001128178.3(NPHP1):c.1679T>G (p.Met560Arg)

Gene: NPHP1 (nephrocystin 1; minus strand). Cytogenetic location: 2q13.
Variant type: single nucleotide variant.
Coding change: c.1679T>G on transcript NM_001128178.3 (MANE Select); coding-DNA position 1679, T replaced by G.
Protein change: p.Met560Arg; replaces methionine 560 with arginine.
Molecular consequence: missense variant.
Genome position (GRCh38, 1-based): chr2:110,129,223, A>C on the plus strand (T>G on the coding strand, the complement: NPHP1 is on the minus strand). VCF-style: chr2-110129223-A-C. GRCh37 (hg19) VCF-style: chr2-110886800-A-C.
Other names: c.1847T>G, p.Met616Arg (NM_000272.5); c.1490T>G, p.Met497Arg (NM_001128179.3); c.1676T>G, p.Met559Arg (NM_001374256.1); c.1679T>G, p.Met560Arg (NM_001374257.1); c.1844T>G, p.Met615Arg (NM_207181.4); short protein forms M497R, M559R, M560R, M615R, M616R.
Identifiers: ClinVar variation 2067413 (VCV002067413.4), dbSNP rs2467154990, ClinGen allele CA348086842.